The following is an entry in ClinVar:

NM_014727.3(KMT2B):c.5561C>T (p.Pro1854Leu)

Gene: KMT2B (lysine methyltransferase 2B; plus strand). Cytogenetic location: 19q13.12.
Variant type: single nucleotide variant.
Coding change: c.5561C>T on transcript NM_014727.3 (MANE Select); coding-DNA position 5561, C replaced by T.
Protein change: p.Pro1854Leu; replaces proline 1854 with leucine.
Molecular consequence: missense variant.
Genome position (GRCh38, 1-based): chr19:35,732,031, C>T. VCF-style: chr19-35732031-C-T. GRCh37 (hg19) VCF-style: chr19-36222932-C-T.
Other names: c.5561C>T (NM_014727.2); short protein forms P1854L.
Identifiers: ClinVar variation 1947457 (VCV001947457.5), dbSNP rs374674556, ClinGen allele CA9385451.

ClinVar aggregate classification (germline): Uncertain significance. Review status: criteria provided, multiple submitters, no conflicts (2 of 4 stars). 2 submissions from 2 submitters: Uncertain significance (2). Last evaluated 2024-10-16.

Conditions:
Dystonia 28, childhood-onset (DYT28). Also called: KMT2B-Related Dystonia (DYT-KMT2B). Identifiers: Orphanet 589618, MedGen C4310633, MONDO:0015004, OMIM 617284.

Allele frequency attached by ClinVar (database versions not stated): gnomAD exomes below 0.00001; TOPMed below 0.00001; ExAC 0.00001; gnomAD 0.00001; ESP Exome Variant Server 0.00008.
gnomAD v4.1: 5 of 1,613,114 alleles (0.00031%); highest among the groups gnomAD compares: Non-Finnish European, 0.00042%; no homozygotes.

Submissions (2):

Labcorp Genetics (formerly Invitae), Labcorp
Classification: Uncertain significance. Last evaluated: 2024-10-16. Review status: criteria provided, single submitter. Criteria: Invitae Variant Classification Sherloc (09022015). Collection method: clinical testing. Allele origin: germline.
Comment: This sequence change replaces proline, which is neutral and non-polar, with leucine, which is neutral and non-polar, at codon 1854 of the KMT2B protein (p.Pro1854Leu). This variant is present in population databases (rs374674556, gnomAD 0.0009%). This variant has not been reported in the literature in individuals affected with KMT2B-related conditions. ClinVar contains an entry for this variant (Variation ID: 1947457). Invitae Evidence Modeling of protein sequence and biophysical properties (such as structural, functional, and spatial information, amino acid conservation, physicochemical variation, residue mobility, and thermodynamic stability) indicates that this missense variant is not expected to disrupt KMT2B protein function with a negative predictive value of 80%. In summary, the available evidence is currently insufficient to determine the role of this variant in disease. Therefore, it has been classified as a Variant of Uncertain Significance.

Neuberg Centre For Genomic Medicine, NCGM
Classification: Uncertain significance for Dystonia 28, childhood-onset. Review status: criteria provided, single submitter. Criteria: ACMG Guidelines, 2015. Collection method: clinical testing. Allele origin: germline. Inheritance: Autosomal dominant inheritance. Affected: yes.
Comment: The missense variant p.P1854L in KMT2B (NM_014727.3) has not been reported previously as a pathogenic variant nor as a benign variant, to our knowledge. The p.P1854L variant is novel (not in any individuals) in gnomAD Exomes and is novel (not in any individuals) in 1000 Genomes. There is a moderate physicochemical difference between proline and leucine. In silico tools are contradictory in their predictions and the residue is poorly conserved across species. For these reasons, this variant has been classified as Uncertain Significance.